The following is an entry in ClinVar:

ClinVar aggregate classification (germline): Uncertain significance (1 of 4 stars; one submission).

Conditions:
SCLT1-related disorder. Also called: SCLT1-related condition.

Submission:

PreventionGenetics, part of Exact Sciences
Classification: Uncertain significance for SCLT1-related condition. Last evaluated: 2025-07-28. Review status: criteria provided, single submitter. Criteria: ACMG Guidelines, 2015. Collection method: clinical testing. Allele origin: germline.
Comment: The SCLT1 c.1729C>G variant is predicted to result in the amino acid substitution p.Leu577Val. To our knowledge, this variant has not been reported in the literature or in a large population database (gnomAD), indicating this variant is rare. At this time, the clinical significance of this variant is uncertain due to the absence of conclusive functional and genetic evidence.

NM_144643.4(SCLT1):c.1729C>G (p.Leu577Val)

Gene: SCLT1 (sodium channel and clathrin linker 1; minus strand). Cytogenetic location: 4q28.2.
Variant type: single nucleotide variant.
Coding change: c.1729C>G on transcript NM_144643.4 (MANE Select); coding-DNA position 1729, C replaced by G.
Protein change: p.Leu577Val; replaces leucine 577 with valine.
Molecular consequence: missense variant. On other transcripts: 3 prime UTR variant (1).
Genome position (GRCh38, 1-based): chr4:128,936,755, G>C on the plus strand (C>G on the coding strand, the complement: SCLT1 is on the minus strand). VCF-style: chr4-128936755-G-C. GRCh37 (hg19) VCF-style: chr4-129857910-G-C.
Other names: c.*66C>G (NM_001410807.1); short protein forms L577V.
Identifiers: ClinVar variation 4998454 (VCV004998454.1).